The following is an entry in ClinVar:

NM_000477.7(ALB):c.776T>C (p.Val259Ala)

Gene: ALB (albumin; plus strand). Cytogenetic location: 4q13.3.
Variant type: single nucleotide variant.
Coding change: c.776T>C on transcript NM_000477.7 (MANE Select); coding-DNA position 776, T replaced by C.
Protein change: p.Val259Ala; replaces valine 259 with alanine.
Molecular consequence: missense variant.
Genome position (GRCh38, 1-based): chr4:73,412,058, T>C. VCF-style: chr4-73412058-T-C. GRCh37 (hg19) VCF-style: chr4-74277775-T-C.
Other names: short protein forms V259A.
Identifiers: ClinVar variation 2807763 (VCV002807763.3), dbSNP rs2476131514, ClinGen allele CA357239294.
Genomic context (GRCh38, chr4:73,412,058, plus strand): 5'-CAGTAGCTCGCCTGAGCCAGAGATTTCCCAAAGCTGAGTTTGCAGAAGTTTCCAAGTTAG[T>C]GACAGATCTTACCAAAGTCCACACGGAATGCTGCCATGGAGATCTGCTTGAATGTGCTGA-3'
Protein context (NP_000468.1, residues 249-269): KAEFAEVSKL[Val259Ala]TDLTKVHTEC

ClinVar aggregate classification (germline): Uncertain significance (1 of 4 stars; one submission).

Submission:

Labcorp Genetics (formerly Invitae), Labcorp
Classification: Uncertain significance. Last evaluated: 2025-09-02. Review status: criteria provided, single submitter. Criteria: Invitae Variant Classification Sherloc (09022015). Collection method: clinical testing. Allele origin: germline.
Comment: This sequence change replaces valine, which is neutral and non-polar, with alanine, which is neutral and non-polar, at codon 259 of the ALB protein (p.Val259Ala). This variant is not present in population databases (gnomAD no frequency). This variant has not been reported in the literature in individuals affected with ALB-related conditions. ClinVar contains an entry for this variant (Variation ID: 2807763). Invitae Evidence Modeling of protein sequence and biophysical properties (such as structural, functional, and spatial information, amino acid conservation, physicochemical variation, residue mobility, and thermodynamic stability) indicates that this missense variant is not expected to disrupt ALB protein function with a negative predictive value of 80%. In summary, the available evidence is currently insufficient to determine the role of this variant in disease. Therefore, it has been classified as a Variant of Uncertain Significance.